The following is an entry in ClinVar:

NM_001009944.3(PKD1):c.4620C>G (p.Leu1540=)

Gene: PKD1 (polycystin 1, transient receptor potential channel interacting; minus strand). Cytogenetic location: 16p13.3.
Variant type: single nucleotide variant.
Coding change: c.4620C>G on transcript NM_001009944.3 (MANE Select); coding-DNA position 4620, C replaced by G.
Protein change: p.Leu1540=; no amino-acid change (leucine 1540 retained).
Molecular consequence: synonymous variant.
Genome position (GRCh38, 1-based): chr16:2,110,547, G>C on the plus strand (C>G on the coding strand, the complement: PKD1 is on the minus strand). VCF-style: chr16-2110547-G-C. GRCh37 (hg19) VCF-style: chr16-2160548-G-C.
Other names: c.4620C>G, p.Leu1540= (NM_000296.4).
Identifiers: ClinVar variation 3390255 (VCV003390255.14).

ClinVar aggregate classification (germline): Likely benign (1 of 4 stars; one submission).

gnomAD v4.1: 3 of 1,611,554 alleles (0.00019%); highest among the groups gnomAD compares: Non-Finnish European, 0.00025%; no homozygotes.

Submission:

CeGaT Center for Human Genetics Tuebingen
Classification: Likely benign. Last evaluated: 2024-11-01. Review status: criteria provided, single submitter. Criteria: CeGaT Center For Human Genetics Tuebingen Variant Classification Criteria Version 2. Collection method: clinical testing. Allele origin: germline. Affected: yes. Observed: 1 variant allele.
Comment: PKD1: BP4, BP7